The following is an entry in ClinVar:

NM_016203.4(PRKAG2):c.947G>A (p.Gly316Glu)

Gene: PRKAG2 (protein kinase AMP-activated non-catalytic subunit gamma 2; minus strand). Cytogenetic location: 7q36.1.
Variant type: single nucleotide variant.
Coding change: c.947G>A on transcript NM_016203.4 (MANE Select); coding-DNA position 947, G replaced by A.
Protein change: p.Gly316Glu; replaces glycine 316 with glutamic acid.
Molecular consequence: missense variant.
Genome position (GRCh38, 1-based): chr7:151,574,949, C>T on the plus strand (G>A on the coding strand, the complement: PRKAG2 is on the minus strand). VCF-style: chr7-151574949-C-T. GRCh37 (hg19) VCF-style: chr7-151272035-C-T.
Other names: c.815G>A, p.Gly272Glu (NM_001040633.2, NM_001407024.1); c.572G>A, p.Gly191Glu (NM_001304527.2, NM_001407029.1); c.224G>A, p.Gly75Glu (NM_001304531.2, NM_001407034.1, NM_001407035.1 and 1 more transcripts); c.575G>A, p.Gly192Glu (NM_001363698.2, NM_001407028.1); c.947G>A, p.Gly316Glu (NM_001407021.1); c.944G>A, p.Gly315Glu (NM_001407022.1, NM_001407023.1); c.812G>A, p.Gly271Glu (NM_001407026.1, NM_001407027.1); c.659G>A, p.Gly220Glu (NM_001407030.1); and 6 more; short protein forms G191E, G192E, G208E, G210E, G219E, G220E, G271E, G272E.
Identifiers: ClinVar variation 1719752 (VCV001719752.5), dbSNP rs767255175, ClinGen allele CA370072346.

ClinVar aggregate classification (germline): Uncertain significance (1 of 4 stars; one submission).

Conditions:
Lethal congenital glycogen storage disease of heart. Also called: GLYCOGEN STORAGE DISEASE OF HEART; PHOSPHORYLASE KINASE DEFICIENCY OF HEART. Identifiers: Orphanet 439854, MedGen C1849813, MONDO:0009867, OMIM 261740.

Submission:

Labcorp Genetics (formerly Invitae), Labcorp
Classification: Uncertain significance for Lethal congenital glycogen storage disease of heart. Last evaluated: 2022-09-19. Review status: criteria provided, single submitter. Criteria: Invitae Variant Classification Sherloc (09022015). Collection method: clinical testing. Allele origin: germline.
Comment: In summary, the available evidence is currently insufficient to determine the role of this variant in disease. Therefore, it has been classified as a Variant of Uncertain Significance. Algorithms developed to predict the effect of sequence changes on RNA splicing suggest that this variant may disrupt the consensus splice site. Algorithms developed to predict the effect of missense changes on protein structure and function (SIFT, PolyPhen-2, Align-GVGD) all suggest that this variant is likely to be disruptive. This variant has not been reported in the literature in individuals affected with PRKAG2-related conditions. This variant is not present in population databases (gnomAD no frequency). This sequence change replaces glycine, which is neutral and non-polar, with glutamic acid, which is acidic and polar, at codon 316 of the PRKAG2 protein (p.Gly316Glu).